The following is an entry in ClinVar:

ClinVar aggregate classification (germline): Likely benign (0 of 4 stars; one submission).

Conditions:
PPARG-related disorder. Also called: PPARG-related disorders; PPARG-related condition.

Allele frequency attached by ClinVar (database versions not stated): ESP Exome Variant Server 0.00023; gnomAD 0.00026; TOPMed 0.00028; gnomAD exomes 0.00040; ExAC 0.00068.

Submission:

PreventionGenetics, part of Exact Sciences
Classification: Likely benign for PPARG-related condition. Last evaluated: 2019-12-02. Review status: no assertion criteria provided. Collection method: clinical testing. Allele origin: germline.
Comment: This variant is classified as likely benign based on ACMG/AMP sequence variant interpretation guidelines (Richards et al. 2015 PMID: 25741868, with internal and published modifications).

NM_138711.6(PPARG):c.*3G>A

Gene: PPARG (peroxisome proliferator activated receptor gamma; plus strand). Cytogenetic location: 3p25.2.
Variant type: single nucleotide variant.
Coding change: c.*3G>A on transcript NM_138711.6 (MANE Select); 3 bases downstream of the stop codon, G replaced by A.
Molecular consequence: 3 prime UTR variant.
Genome position (GRCh38, 1-based): chr3:12,434,148, G>A. VCF-style: chr3-12434148-G-A. GRCh37 (hg19) VCF-style: chr3-12475647-G-A.
Other names: c.*233G>A (NM_001330615.4, NM_001374261.3, NM_001374262.3 and 1 more transcripts); c.*3G>A (NM_001354666.3, NM_001354667.3, NM_001354669.2 and 5 more transcripts); c.*217G>A (NM_001374266.1).
Identifiers: ClinVar variation 3044120 (VCV003044120.2), dbSNP rs202243523, ClinGen allele CA2258373.